The following is an entry in ClinVar:

NM_000884.3(IMPDH2):c.1367T>A (p.Phe456Tyr)

Gene: IMPDH2 (inosine monophosphate dehydrogenase 2; minus strand). Cytogenetic location: 3p21.31.
Variant type: single nucleotide variant.
Coding change: c.1367T>A on transcript NM_000884.3 (MANE Select); coding-DNA position 1367, T replaced by A.
Protein change: p.Phe456Tyr; replaces phenylalanine 456 with tyrosine.
Molecular consequence: missense variant.
Genome position (GRCh38, 1-based): chr3:49,024,731, A>T on the plus strand (T>A on the coding strand, the complement: IMPDH2 is on the minus strand). VCF-style: chr3-49024731-A-T. GRCh37 (hg19) VCF-style: chr3-49062164-A-T.
Other names: c.1439T>A, p.Phe480Tyr (NM_001410759.1); c.1364T>A, p.Phe455Tyr (NM_001410760.1); c.1292T>A, p.Phe431Tyr (NM_001410761.1); short protein forms F431Y, F455Y, F456Y, F480Y.
Identifiers: ClinVar variation 3381294 (VCV003381294.1).

ClinVar aggregate classification (germline): Uncertain significance (1 of 4 stars; one submission).

gnomAD v4.1: 1 of 1,614,118 alleles (0.000062%); highest among the groups gnomAD compares: Non-Finnish European, 0.000085%; no homozygotes.

Submission:

GeneDx
Classification: Uncertain significance. Last evaluated: 2024-05-22. Review status: criteria provided, single submitter. Criteria: GeneDx Variant Classification Process June 2021. Collection method: clinical testing. Allele origin: germline. Affected: yes.
Comment: Not observed at significant frequency in large population cohorts (gnomAD); In silico analysis indicates that this missense variant does not alter protein structure/function; Has not been previously published as pathogenic or benign to our knowledge